The following is an entry in ClinVar:

NM_001355613.1(CPHXL):c.1137C>T (p.Ala379=)

Gene: CPHXL (cytoplasmic polyadenylated homeobox like; minus strand). Cytogenetic location: 16q23.1.
Variant type: single nucleotide variant.
Coding change: c.1137C>T on transcript NM_001355613.1 (MANE Select); coding-DNA position 1137, C replaced by T.
Protein change: p.Ala379=; no amino-acid change (alanine 379 retained).
Molecular consequence: synonymous variant.
Genome position (GRCh38, 1-based): chr16:75,714,305, G>A on the plus strand (C>T on the coding strand, the complement: CPHXL is on the minus strand). VCF-style: chr16-75714305-G-A. GRCh37 (hg19) VCF-style: chr16-75748203-G-A.
Identifiers: ClinVar variation 3388948 (VCV003388948.14).

ClinVar aggregate classification (germline): Likely benign (1 of 4 stars; one submission).

gnomAD v4.1: 424 of 398,570 alleles (0.11%); highest among the groups gnomAD compares: Non-Finnish European, 0.15%; no homozygotes.

Submission:

CeGaT Center for Human Genetics Tuebingen
Classification: Likely benign. Last evaluated: 2025-02-01. Review status: criteria provided, single submitter. Criteria: CeGaT Center For Human Genetics Tuebingen Variant Classification Criteria Version 2. Collection method: clinical testing. Allele origin: germline. Affected: yes. Observed: 2 variant alleles.
Comment: CPHXL: BP4, BP7